The following is an entry in ClinVar:

NM_002485.5(NBN):c.73G>T (p.Val25Phe)

Gene: NBN (nibrin; minus strand). Cytogenetic location: 8q21.3.
Variant type: single nucleotide variant.
Coding change: c.73G>T on transcript NM_002485.5 (MANE Select); coding-DNA position 73, G replaced by T.
Protein change: p.Val25Phe; replaces valine 25 with phenylalanine.
Molecular consequence: missense variant. On other transcripts: 5 prime UTR variant (1).
Genome position (GRCh38, 1-based): chr8:89,982,820, C>A on the plus strand (G>T on the coding strand, the complement: NBN is on the minus strand). VCF-style: chr8-89982820-C-A. GRCh37 (hg19) VCF-style: chr8-90995048-C-A.
Other names: c.-224G>T (NM_001024688.3); short protein forms V25F.
Identifiers: ClinVar variation 572210 (VCV000572210.16), dbSNP rs587781748, ClinGen allele CA371663475.

ClinVar aggregate classification (germline): Uncertain significance. Review status: criteria provided, multiple submitters, no conflicts (2 of 4 stars). 3 submissions from 3 submitters: Uncertain significance (3). Last evaluated 2024-10-31.

Conditions:
Hereditary cancer-predisposing syndrome. Also called: Hereditary neoplastic syndrome; Neoplastic Syndromes, Hereditary; Hereditary Cancer Syndrome; Tumor predisposition. Identifiers: Orphanet 140162, MedGen C0027672, MeSH D009386, MONDO:0015356.
Microcephaly, normal intelligence and immunodeficiency (NBS). Also called: BERLIN BREAKAGE SYNDROME; Immunodeficiency, microcephaly with normal intelligence; Ataxia telangiectasia variant V1; Nijmegen breakage syndrome; Microcephaly with normal intelligence immunodeficiency and lymphoreticular malignancies; Nonsyndromal microcephaly autosomal recessive with normal intelligence. Identifiers: Orphanet 647, MedGen C0398791, MONDO:0009623, OMIM 251260.

gnomAD v4.1: 3 of 1,613,444 alleles (0.00019%); highest among the groups gnomAD compares: Non-Finnish European, 0.00025%; no homozygotes.

Submissions (3):

Ambry Genetics
Classification: Uncertain significance for Hereditary cancer-predisposing syndrome. Last evaluated: 2024-10-31. Review status: criteria provided, single submitter. Criteria: Ambry Variant Classification Scheme 2023. Collection method: clinical testing. Allele origin: germline.
Comment: The p.V25F variant (also known as c.73G>T), located in coding exon 2 of the NBN gene, results from a G to T substitution at nucleotide position 73. The valine at codon 25 is replaced by phenylalanine, an amino acid with highly similar properties. This amino acid position is poorly conserved in available vertebrate species. In addition, the in silico prediction for this alteration is inconclusive. Since supporting evidence is limited at this time, the clinical significance of this alteration remains unclear.

Genome-Nilou Lab
Classification: Uncertain significance for Microcephaly, normal intelligence and immunodeficiency. Last evaluated: 2021-11-07. Review status: criteria provided, single submitter. Criteria: ACMG Guidelines, 2015. Collection method: clinical testing. Allele origin: germline. Affected: no.

Labcorp Genetics (formerly Invitae), Labcorp
Classification: Uncertain significance for Microcephaly, normal intelligence and immunodeficiency. Last evaluated: 2018-05-02. Review status: criteria provided, single submitter. Criteria: Invitae Variant Classification Sherloc (09022015). Collection method: clinical testing. Allele origin: germline.
Comment: This sequence change replaces valine with phenylalanine at codon 25 of the NBN protein (p.Val25Phe). The valine residue is moderately conserved and there is a small physicochemical difference between valine and phenylalanine. This variant is not present in population databases (ExAC no frequency). This variant has not been reported in the literature in individuals with NBN-related disease. In summary, the available evidence is currently insufficient to determine the role of this variant in disease. Therefore, it has been classified as a Variant of Uncertain Significance. Algorithms developed to predict the effect of missense changes on protein structure and function do not agree on the potential impact of this missense change (SIFT: "Deleterious"; PolyPhen-2: "Probably Damaging"; Align-GVGD: "Class C0").